The following is an entry in ClinVar:

NM_020754.4(ARHGAP31):c.4132A>G (p.Ser1378Gly)

Gene: ARHGAP31 (Rho GTPase activating protein 31; plus strand). Cytogenetic location: 3q13.33.
Variant type: single nucleotide variant.
Coding change: c.4132A>G on transcript NM_020754.4 (MANE Select); coding-DNA position 4132, A replaced by G.
Protein change: p.Ser1378Gly; replaces serine 1378 with glycine.
Molecular consequence: missense variant.
Genome position (GRCh38, 1-based): chr3:119,416,061, A>G. VCF-style: chr3-119416061-A-G. GRCh37 (hg19) VCF-style: chr3-119134908-A-G.
Other names: short protein forms S1378G.
Identifiers: ClinVar variation 342677 (VCV000342677.14), dbSNP rs193198313, ClinGen allele CA2554304.

ClinVar aggregate classification (germline): Benign/Likely benign. Review status: criteria provided, multiple submitters, no conflicts (2 of 4 stars). 3 submissions from 3 submitters: Benign (1); Likely benign (1). 1 of the submissions does not count toward it. Last evaluated 2025-11-27.

Conditions:
ARHGAP31-related disorder. Also called: ARHGAP31-related condition.

Allele frequency attached by ClinVar (database versions not stated): gnomAD exomes 0.00026 and 0.00113; gnomAD 0.00027 and 0.00037; TOPMed 0.00062; ExAC 0.00109; 1000 Genomes Project 0.00220; 1000 Genomes Project 30x 0.00265.
gnomAD v4.1: 445 of 1,614,172 alleles (0.028%); highest among the groups gnomAD compares: East Asian, 0.93%; 3 homozygotes.

Submissions (3):

Labcorp Genetics (formerly Invitae), Labcorp
Classification: Benign. Last evaluated: 2025-11-27. Review status: criteria provided, single submitter. Criteria: Invitae Variant Classification Sherloc (09022015). Collection method: clinical testing. Allele origin: germline.

Blueprint Genetics
Classification: Likely benign. Last evaluated: 2024-05-22. Review status: criteria provided, single submitter. Criteria: ACMG Guidelines, 2015. Collection method: clinical testing. Allele origin: germline.

PreventionGenetics, part of Exact Sciences
Classification: Benign for ARHGAP31-related condition. Last evaluated: 2019-05-02. Review status: no assertion criteria provided. Collection method: clinical testing. Allele origin: germline. Not counted in ClinVar's aggregate classification.
Comment: This variant is classified as benign based on ACMG/AMP sequence variant interpretation guidelines (Richards et al. 2015 PMID: 25741868, with internal and published modifications).